The following is an entry in ClinVar:

NM_001347721.2(DYRK1A):c.1832G>T (p.Gly611Val)

Gene: DYRK1A (dual specificity tyrosine phosphorylation regulated kinase 1A; plus strand). Cytogenetic location: 21q22.13.
Variant type: single nucleotide variant.
Coding change: c.1832G>T on transcript NM_001347721.2 (MANE Select); coding-DNA position 1832, G replaced by T.
Protein change: p.Gly611Val; replaces glycine 611 with valine.
Molecular consequence: missense variant. On other transcripts: 3 prime UTR variant (2).
Genome position (GRCh38, 1-based): chr21:37,512,098, G>T. VCF-style: chr21-37512098-G-T. GRCh37 (hg19) VCF-style: chr21-38884401-G-T.
Other names: c.1859G>T, p.Gly620Val (NM_001396.5); c.*235G>T (NM_101395.2); c.1832G>T, p.Gly611Val (NM_130436.2, NM_001347722.2); c.*144G>T (NM_130438.2); c.1745G>T, p.Gly582Val (NM_001347723.2); short protein forms G611V, G582V, G620V.
Identifiers: ClinVar variation 2749110 (VCV002749110.3), dbSNP rs1265487026, ClinGen allele CA409939692.

ClinVar aggregate classification (germline): Uncertain significance (1 of 4 stars; one submission).

Conditions:
DYRK1A-related intellectual disability syndrome (MRD7). Also called: Intellectual developmental disorder, autosomal dominant 7; DYRK1A Syndrome. Identifiers: Orphanet 464306, MedGen C5568143, MONDO:0013578, OMIM 614104.

Allele frequency attached by ClinVar (database versions not stated): TOPMed below 0.00001.

Submission:

Labcorp Genetics (formerly Invitae), Labcorp
Classification: Uncertain significance for DYRK1A-related intellectual disability syndrome. Last evaluated: 2023-08-01. Review status: criteria provided, single submitter. Criteria: Invitae Variant Classification Sherloc (09022015). Collection method: clinical testing. Allele origin: germline.
Comment: This sequence change replaces glycine, which is neutral and non-polar, with valine, which is neutral and non-polar, at codon 620 of the DYRK1A protein (p.Gly620Val). This variant is not present in population databases (gnomAD no frequency). This variant has not been reported in the literature in individuals affected with DYRK1A-related conditions. An algorithm developed to predict the effect of missense changes on protein structure and function (PolyPhen-2) suggests that this variant is likely to be disruptive. In summary, the available evidence is currently insufficient to determine the role of this variant in disease. Therefore, it has been classified as a Variant of Uncertain Significance.